The following is an entry in ClinVar:

ClinVar aggregate classification (germline): Uncertain significance. Review status: criteria provided, multiple submitters, no conflicts (2 of 4 stars). 6 submissions from 6 submitters: Uncertain significance (4). 2 of the submissions do not count toward it. Last evaluated 2024-01-12.

Conditions:
USH1C-related disorder. Also called: USH1C-related condition.
Inborn genetic diseases. Identifiers: MedGen C0950123, MeSH D030342.
Usher syndrome type 1C. Also called: USHER SYNDROME, TYPE I, ACADIAN VARIETY. Identifiers: Orphanet 231169, Orphanet 886, MedGen C1848604, MONDO:0010171, OMIM 276904.

Allele frequency attached by ClinVar (database versions not stated): gnomAD 0.00016 and 0.00015; TOPMed 0.00020; ESP Exome Variant Server 0.00023; gnomAD exomes 0.00004.
gnomAD v4.1: 51 of 1,613,076 alleles (0.0032%); highest among the groups gnomAD compares: African/African-American, 0.049%; no homozygotes.

Submissions (6):

Blueprint Genetics
Classification: Uncertain significance. Last evaluated: 2024-01-12. Review status: criteria provided, single submitter. Criteria: ACMG Guidelines, 2015. Collection method: clinical testing. Allele origin: germline.

GeneDx
Classification: Uncertain significance. Last evaluated: 2023-09-13. Review status: criteria provided, single submitter. Criteria: GeneDx Variant Classification Process June 2021. Collection method: clinical testing. Allele origin: germline. Affected: yes.
Comment: In silico analysis supports that this missense variant has a deleterious effect on protein structure/function; Has not been previously published as pathogenic or benign to our knowledge

Labcorp Genetics (formerly Invitae), Labcorp
Classification: Uncertain significance. Last evaluated: 2022-06-25. Review status: criteria provided, single submitter. Criteria: Invitae Variant Classification Sherloc (09022015). Collection method: clinical testing. Allele origin: germline.
Comment: This sequence change replaces arginine, which is basic and polar, with tryptophan, which is neutral and slightly polar, at codon 454 of the USH1C protein (p.Arg454Trp). This variant is present in population databases (rs143803480, gnomAD 0.04%). This variant has not been reported in the literature in individuals affected with USH1C-related conditions. ClinVar contains an entry for this variant (Variation ID: 992076). Algorithms developed to predict the effect of missense changes on protein structure and function are either unavailable or do not agree on the potential impact of this missense change (SIFT: "Deleterious"; PolyPhen-2: "Probably Damaging"; Align-GVGD: "Class C0"). In summary, the available evidence is currently insufficient to determine the role of this variant in disease. Therefore, it has been classified as a Variant of Uncertain Significance.

Ambry Genetics
Classification: Uncertain significance for Inborn genetic diseases. Last evaluated: 2022-05-06. Review status: criteria provided, single submitter. Criteria: Ambry Variant Classification Scheme 2023. Collection method: clinical testing. Allele origin: germline.

PreventionGenetics, part of Exact Sciences
Classification: Uncertain significance for USH1C-related condition. Last evaluated: 2024-09-17. Review status: no assertion criteria provided. Collection method: clinical testing. Allele origin: germline. Not counted in ClinVar's aggregate classification.
Comment: The USH1C c.2260C>T variant is predicted to result in the amino acid substitution p.Arg754Trp. To our knowledge, this variant has not been reported in the literature. This variant is reported in 0.041% of alleles in individuals of African descent in gnomAD. At this time, the clinical significance of this variant is uncertain due to the absence of conclusive functional and genetic evidence.

Natera, Inc.
Classification: Uncertain significance for Usher syndrome type 1C. Last evaluated: 2020-04-11. Review status: no assertion criteria provided. Collection method: clinical testing. Allele origin: germline. Not counted in ClinVar's aggregate classification.

NM_153676.4(USH1C):c.2260C>T (p.Arg754Trp)

Gene: USH1C (USH1 protein network component harmonin; minus strand). Cytogenetic location: 11p15.1.
Variant type: single nucleotide variant.
Coding change: c.2260C>T on transcript NM_153676.4 (MANE Select); coding-DNA position 2260, C replaced by T.
Protein change: p.Arg754Trp; replaces arginine 754 with tryptophan.
Molecular consequence: missense variant. On other transcripts: non-coding transcript variant (1).
Genome position (GRCh38, 1-based): chr11:17,501,502, G>A on the plus strand (C>T on the coding strand, the complement: USH1C is on the minus strand). VCF-style: chr11-17501502-G-A. GRCh37 (hg19) VCF-style: chr11-17523049-G-A.
Other names: c.1360C>T (NM_005709.3); c.1303C>T, p.Arg435Trp (NM_001297764.2); c.1360C>T, p.Arg454Trp (NM_005709.4); c.2260C>T (NM_153676.3); short protein forms R435W, R454W, R754W.
Identifiers: ClinVar variation 992076 (VCV000992076.9), dbSNP rs143803480, ClinGen allele CA5904260.